The following is an entry in ClinVar:

NM_153460.4(IL17RC):c.1509C>G (p.Asp503Glu)

Genes: IL17RC (interleukin 17 receptor C; plus strand), LOC129936143 (ATAC-STARR-seq lymphoblastoid silent region 14050; plus strand). Cytogenetic location: 3p25.3.
Variant type: single nucleotide variant.
Coding change: c.1509C>G on transcript NM_153460.4 (MANE Select); coding-DNA position 1509, C replaced by G.
Protein change: p.Asp503Glu; replaces aspartic acid 503 with glutamic acid.
Molecular consequence: missense variant. On other transcripts: non-coding transcript variant (1), intron variant (6).
Genome position (GRCh38, 1-based): chr3:9,932,845, C>G. VCF-style: chr3-9932845-C-G. GRCh37 (hg19) VCF-style: chr3-9974529-C-G.
Other names: c.1413C>G, p.Asp471Glu (NM_001203265.2); c.1464C>G, p.Asp488Glu (NM_032732.6); c.1722C>G, p.Asp574Glu (NM_153461.4); c.1484-108C>G (NM_001203263.2); c.1433-108C>G (NM_001203264.2); c.1445-108C>G (NM_001367278.1); c.1439-108C>G (NM_001367280.1); c.1388-108C>G (NM_001410711.1); and 1 more; short protein forms D471E, D488E, D503E, D574E.
Identifiers: ClinVar variation 2802057 (VCV002802057.3), dbSNP rs1404393205, ClinGen allele CA351703630.

ClinVar aggregate classification (germline): Uncertain significance (1 of 4 stars; one submission).

Conditions:
Candidiasis, familial, 9 (CANDF9). Identifiers: Orphanet 1334, MedGen C4225324, MONDO:0014642, OMIM 616445.

Submission:

Labcorp Genetics (formerly Invitae), Labcorp
Classification: Uncertain significance for Candidiasis, familial, 9. Last evaluated: 2023-04-03. Review status: criteria provided, single submitter. Criteria: Invitae Variant Classification Sherloc (09022015). Collection method: clinical testing. Allele origin: germline.
Comment: This variant has not been reported in the literature in individuals affected with IL17RC-related conditions. This variant is not present in population databases (gnomAD no frequency). This sequence change replaces aspartic acid, which is acidic and polar, with glutamic acid, which is acidic and polar, at codon 574 of the IL17RC protein (p.Asp574Glu). An algorithm developed to predict the effect of missense changes on protein structure and function (PolyPhen-2) suggests that this variant is likely to be tolerated. In summary, the available evidence is currently insufficient to determine the role of this variant in disease. Therefore, it has been classified as a Variant of Uncertain Significance. Algorithms developed to predict the effect of sequence changes on RNA splicing suggest that this variant may create or strengthen a splice site.